The following is an entry in ClinVar:

ClinVar aggregate classification (germline): Likely benign. Review status: criteria provided, multiple submitters, no conflicts (2 of 4 stars). 4 submissions from 4 submitters: Likely benign (4). Last evaluated 2025-11-22.

Conditions:
Dilated cardiomyopathy 1G (CMD1G). Identifiers: Orphanet 154, MedGen C1858763, MONDO:0011400, OMIM 604145.
Autosomal recessive limb-girdle muscular dystrophy type 2J (LGMDR10). Also called: Limb-girdle muscular dystrophy, type 2J; MUSCULAR DYSTROPHY, LIMB-GIRDLE, AUTOSOMAL RECESSIVE 10. Identifiers: Orphanet 140922, MedGen C1837342, MONDO:0012127, OMIM 608807.
Cardiovascular phenotype. Identifiers: MedGen CN230736.

Allele frequency attached by ClinVar (database versions not stated): gnomAD 0.00001; gnomAD exomes 0.00001 and 0.00003; TOPMed 0.00001; ExAC 0.00002.
gnomAD v4.1: 19 of 1,610,210 alleles (0.0012%); highest among the groups gnomAD compares: East Asian, 0.011%; no homozygotes.

Submissions (4):

Labcorp Genetics (formerly Invitae), Labcorp
Classification: Likely benign for Dilated cardiomyopathy 1G; Autosomal recessive limb-girdle muscular dystrophy type 2J. Last evaluated: 2025-11-22. Review status: criteria provided, single submitter. Criteria: Invitae Variant Classification Sherloc (09022015). Collection method: clinical testing. Allele origin: germline.

CeGaT Center for Human Genetics Tuebingen
Classification: Likely benign. Last evaluated: 2025-08-01. Review status: criteria provided, single submitter. Criteria: CeGaT Center For Human Genetics Tuebingen Variant Classification Criteria Version 2. Collection method: clinical testing. Allele origin: germline. Affected: yes. Observed: 1 variant allele.
Comment: TTN: BP4, BP7

Ambry Genetics
Classification: Likely benign for Cardiovascular phenotype. Last evaluated: 2021-09-26. Review status: criteria provided, single submitter. Criteria: Ambry Variant Classification Scheme 2023. Collection method: clinical testing. Allele origin: germline.

Blueprint Genetics
Classification: Likely benign. Last evaluated: 2021-06-15. Review status: criteria provided, single submitter. Criteria: ACMG Guidelines, 2015. Collection method: clinical testing. Allele origin: germline.

NM_001267550.2(TTN):c.89616A>G (p.Thr29872=)

Genes: TTN (titin; minus strand), TTN-AS1 (TTN antisense RNA 1; plus strand). Cytogenetic location: 2q31.2.
Variant type: single nucleotide variant.
Coding change: c.89616A>G on transcript NM_001267550.2 (MANE Select); coding-DNA position 89616, A replaced by G.
Protein change: p.Thr29872=; no amino-acid change (threonine 29872 retained).
Molecular consequence: synonymous variant.
Genome position (GRCh38, 1-based): chr2:178,553,284, T>C on the plus strand (A>G on the coding strand, the complement: TTN is on the minus strand). VCF-style: chr2-178553284-T-C. GRCh37 (hg19) VCF-style: chr2-179418011-T-C.
Other names: c.84693A>G, p.Thr28231= (NM_001256850.1); c.62421A>G, p.Thr20807= (NM_003319.4); c.81912A>G, p.Thr27304= (NM_133378.4); c.62796A>G, p.Thr20932= (NM_133432.3); c.62997A>G, p.Thr20999= (NM_133437.4).
Identifiers: ClinVar variation 808923 (VCV000808923.31), dbSNP rs777509175, ClinGen allele CA1987889.
Genomic context (GRCh38, chr2:178,553,284, plus strand): 5'-ATCAGTGTTTTCAATGCTGTATCTGGCATCACTGCCAAGATTCTTCTCATCTTTTCTCCA[T>C]GTGACAGTAGGTGGAGGTCTGCCTTTAAAGGGAATCAACACTTGTACATCTTCACCAGCT-3'
Protein context (NP_001254479.2, residues 29862-29882): PFKGRPPPTV[Thr29872=]WRKDEKNLGS